The following is an entry in ClinVar:

ClinVar aggregate classification (germline): Uncertain significance. Review status: criteria provided, multiple submitters, no conflicts (2 of 4 stars). 2 submissions from 2 submitters: Uncertain significance (2). Last evaluated 2025-07-27.

Conditions:
Inborn genetic diseases. Identifiers: MedGen C0950123, MeSH D030342.
Cognitive impairment - coarse facies - heart defects - obesity - pulmonary involvement - short stature - skeletal dysplasia syndrome. Also called: Chops syndrome; COGNITIVE IMPAIRMENT, COARSE FACIES, HEART DEFECTS, OBESITY, PULMONARY INVOLVEMENT, SHORT STATURE, AND SKELETAL DYSPLASIA; AFF4-Related CHOPS Syndrome. Identifiers: Orphanet 444077, MedGen C4085597, MONDO:0014609, OMIM 616368.

Allele frequency attached by ClinVar (database versions not stated): ExAC 0.00001.
gnomAD v4.1: 5 of 1,613,984 alleles (0.00031%); highest among the groups gnomAD compares: African/African-American, 0.0067%; no homozygotes.

Submissions (2):

Labcorp Genetics (formerly Invitae), Labcorp
Classification: Uncertain significance for Cognitive impairment - coarse facies - heart defects - obesity - pulmonary involvement - short stature - skeletal dysplasia syndrome. Last evaluated: 2025-07-27. Review status: criteria provided, single submitter. Criteria: Invitae Variant Classification Sherloc (09022015). Collection method: clinical testing. Allele origin: germline.
Comment: This sequence change replaces serine, which is neutral and polar, with threonine, which is neutral and polar, at codon 230 of the AFF4 protein (p.Ser230Thr). This variant is present in population databases (rs752414104, gnomAD 0.007%). This variant has not been reported in the literature in individuals affected with AFF4-related conditions. ClinVar contains an entry for this variant (Variation ID: 3092779). Invitae Evidence Modeling of protein sequence and biophysical properties (such as structural, functional, and spatial information, amino acid conservation, physicochemical variation, residue mobility, and thermodynamic stability) indicates that this missense variant is not expected to disrupt AFF4 protein function with a negative predictive value of 80%. In summary, the available evidence is currently insufficient to determine the role of this variant in disease. Therefore, it has been classified as a Variant of Uncertain Significance.

Ambry Genetics
Classification: Uncertain significance for Inborn genetic diseases. Last evaluated: 2023-10-27. Review status: criteria provided, single submitter. Criteria: Ambry Variant Classification Scheme 2023. Collection method: clinical testing. Allele origin: germline.

NM_014423.4(AFF4):c.689G>C (p.Ser230Thr)

Gene: AFF4 (ALF transcription elongation factor 4; minus strand). Cytogenetic location: 5q31.1.
Variant type: single nucleotide variant.
Coding change: c.689G>C on transcript NM_014423.4 (MANE Select); coding-DNA position 689, G replaced by C.
Protein change: p.Ser230Thr; replaces serine 230 with threonine.
Molecular consequence: missense variant.
Genome position (GRCh38, 1-based): chr5:132,934,376, C>G on the plus strand (G>C on the coding strand, the complement: AFF4 is on the minus strand). VCF-style: chr5-132934376-C-G. GRCh37 (hg19) VCF-style: chr5-132270068-C-G.
Other names: short protein forms S230T.
Identifiers: ClinVar variation 3092779 (VCV003092779.2), dbSNP rs752414104, ClinGen allele CA3409386.